The following is an entry in ClinVar:

ClinVar aggregate classification (germline): Uncertain significance. Review status: criteria provided, multiple submitters, no conflicts (2 of 4 stars). 2 submissions from 2 submitters: Uncertain significance (2). Last evaluated 2023-12-31.

Conditions:
Cardiovascular phenotype. Identifiers: MedGen CN230736.

Submissions (2):

Labcorp Genetics (formerly Invitae), Labcorp
Classification: Uncertain significance. Last evaluated: 2023-12-31. Review status: criteria provided, single submitter. Criteria: Invitae Variant Classification Sherloc (09022015). Collection method: clinical testing. Allele origin: germline.
Comment: This sequence change replaces serine, which is neutral and polar, with arginine, which is basic and polar, at codon 1209 of the ALPK3 protein (p.Ser1209Arg). This variant is not present in population databases (gnomAD no frequency). This variant has not been reported in the literature in individuals affected with ALPK3-related conditions. ClinVar contains an entry for this variant (Variation ID: 1733364). An algorithm developed to predict the effect of missense changes on protein structure and function (PolyPhen-2) suggests that this variant is likely to be disruptive. In summary, the available evidence is currently insufficient to determine the role of this variant in disease. Therefore, it has been classified as a Variant of Uncertain Significance.

Ambry Genetics
Classification: Uncertain significance for Cardiovascular phenotype. Last evaluated: 2019-05-14. Review status: criteria provided, single submitter. Criteria: Ambry Variant Classification Scheme 2023. Collection method: clinical testing. Allele origin: germline.
Comment: The p.S1209R variant (also known as c.3625A>C), located in coding exon 6 of the ALPK3 gene, results from an A to C substitution at nucleotide position 3625. The serine at codon 1209 is replaced by arginine, an amino acid with dissimilar properties. This amino acid position is well conserved in available vertebrate species; however, arginine is the reference amino acid in other vertebrate species. In addition, the in silico prediction for this alteration is inconclusive. Since supporting evidence is limited at this time, the clinical significance of this alteration remains unclear.

NM_020778.5(ALPK3):c.3019A>C (p.Ser1007Arg)

Gene: ALPK3 (alpha kinase 3; plus strand). Cytogenetic location: 15q25.3.
Variant type: single nucleotide variant.
Coding change: c.3019A>C on transcript NM_020778.5 (MANE Select); coding-DNA position 3019, A replaced by C.
Protein change: p.Ser1007Arg; replaces serine 1007 with arginine.
Molecular consequence: missense variant.
Genome position (GRCh38, 1-based): chr15:84,857,757, A>C. VCF-style: chr15-84857757-A-C. GRCh37 (hg19) VCF-style: chr15-85400988-A-C.
Other names: short protein forms S1007R.
Identifiers: ClinVar variation 1733364 (VCV001733364.5), dbSNP rs2505721121, ClinGen allele CA393359437.